The following is an entry in ClinVar:

NM_001364905.1(LRBA):c.3280C>T (p.Pro1094Ser)

Gene: LRBA (LPS responsive beige-like anchor protein; minus strand). Cytogenetic location: 4q31.3.
Variant type: single nucleotide variant.
Coding change: c.3280C>T on transcript NM_001364905.1 (MANE Select); coding-DNA position 3280, C replaced by T.
Protein change: p.Pro1094Ser; replaces proline 1094 with serine.
Molecular consequence: missense variant.
Genome position (GRCh38, 1-based): chr4:150,852,430, G>A on the plus strand (C>T on the coding strand, the complement: LRBA is on the minus strand). VCF-style: chr4-150852430-G-A. GRCh37 (hg19) VCF-style: chr4-151773582-G-A.
Other names: c.3280C>T, p.Pro1094Ser (NM_001199282.3, NM_001367550.1, NM_006726.5); short protein forms P1094S.
Identifiers: ClinVar variation 540399 (VCV000540399.9), dbSNP rs1553982186, ClinGen allele CA358459044.

ClinVar aggregate classification (germline): Uncertain significance (1 of 4 stars; one submission).

Conditions:
Combined immunodeficiency due to LRBA deficiency. Also called: Common variable immunodeficiency 8, with autoimmunity. Identifiers: Orphanet 445018, MedGen C3553512, MONDO:0013863, OMIM 614700.

Allele frequency attached by ClinVar (database versions not stated): gnomAD exomes below 0.00001.
gnomAD v4.1: 1 of 1,613,354 alleles (0.000062%); highest among the groups gnomAD compares: Non-Finnish European, 0.000085%; no homozygotes.

Submission:

Labcorp Genetics (formerly Invitae), Labcorp
Classification: Uncertain significance for Combined immunodeficiency due to LRBA deficiency. Last evaluated: 2022-08-23. Review status: criteria provided, single submitter. Criteria: Invitae Variant Classification Sherloc (09022015). Collection method: clinical testing. Allele origin: germline.
Comment: This variant has not been reported in the literature in individuals affected with LRBA-related conditions. ClinVar contains an entry for this variant (Variation ID: 540399). Algorithms developed to predict the effect of missense changes on protein structure and function are either unavailable or do not agree on the potential impact of this missense change (SIFT: "Tolerated"; PolyPhen-2: "Probably Damaging"; Align-GVGD: "Class C0"). In summary, the available evidence is currently insufficient to determine the role of this variant in disease. Therefore, it has been classified as a Variant of Uncertain Significance. This variant is not present in population databases (gnomAD no frequency). This sequence change replaces proline, which is neutral and non-polar, with serine, which is neutral and polar, at codon 1094 of the LRBA protein (p.Pro1094Ser).